The following is an entry in ClinVar:

NM_024741.3(ZNF408):c.52G>A (p.Ala18Thr)

Genes: ZNF408 (zinc finger protein 408; plus strand), LOC130005659 (ATAC-STARR-seq lymphoblastoid active region 4684; plus strand). Cytogenetic location: 11p11.2.
Variant type: single nucleotide variant.
Coding change: c.52G>A on transcript NM_024741.3 (MANE Select); coding-DNA position 52, G replaced by A.
Protein change: p.Ala18Thr; replaces alanine 18 with threonine.
Molecular consequence: missense variant. On other transcripts: 5 prime UTR variant (1).
Genome position (GRCh38, 1-based): chr11:46,701,099, G>A. VCF-style: chr11-46701099-G-A. GRCh37 (hg19) VCF-style: chr11-46722649-G-A.
Other names: c.-15G>A (NM_001184751.2); short protein forms A18T.
Identifiers: ClinVar variation 961044 (VCV000961044.11), dbSNP rs201062665, ClinGen allele CA5966184.

ClinVar aggregate classification (germline): Uncertain significance. Review status: criteria provided, multiple submitters, no conflicts (2 of 4 stars). 2 submissions from 2 submitters: Uncertain significance (2). Last evaluated 2025-12-01.

Allele frequency attached by ClinVar (database versions not stated): ESP Exome Variant Server 0.00008; gnomAD 0.00019 and 0.00022; TOPMed 0.00023.
gnomAD v4.1: 59 of 1,614,034 alleles (0.0037%); highest among the groups gnomAD compares: African/African-American, 0.059%; no homozygotes.

Submissions (2):

Labcorp Genetics (formerly Invitae), Labcorp
Classification: Uncertain significance. Last evaluated: 2025-12-01. Review status: criteria provided, single submitter. Criteria: Invitae Variant Classification Sherloc (09022015). Collection method: clinical testing. Allele origin: germline.
Comment: This sequence change replaces alanine, which is neutral and non-polar, with threonine, which is neutral and polar, at codon 18 of the ZNF408 protein (p.Ala18Thr). This variant also falls at the last nucleotide of exon 1, which is part of the consensus splice site for this exon. This variant is present in population databases (rs201062665, gnomAD 0.05%). This variant has not been reported in the literature in individuals affected with ZNF408-related conditions. ClinVar contains an entry for this variant (Variation ID: 961044). An algorithm developed to predict the effect of missense changes on protein structure and function outputs the following: PolyPhen-2: "Not Available". The threonine amino acid residue is found in multiple mammalian species, which suggests that this missense change does not adversely affect protein function. Variants that disrupt the consensus splice site are a relatively common cause of aberrant splicing (PMID: 17576681, 9536098). Algorithms developed to predict the effect of sequence changes on RNA splicing suggest that this variant may disrupt the consensus splice site. In summary, the available evidence is currently insufficient to determine the role of this variant in disease. Therefore, it has been classified as a Variant of Uncertain Significance.

Blueprint Genetics
Classification: Uncertain significance. Last evaluated: 2024-06-05. Review status: criteria provided, single submitter. Criteria: ACMG Guidelines, 2015. Collection method: clinical testing. Allele origin: germline.

Literature cited by the submitters: PubMed 17576681 (cited by Labcorp Genetics (formerly Invitae), Labcorp); PubMed 9536098 (cited by Labcorp Genetics (formerly Invitae), Labcorp).